The following is an entry in ClinVar:

ClinVar aggregate classification (germline): Conflicting classifications of pathogenicity. Review status: criteria provided, conflicting classifications (1 of 4 stars). 3 submissions from 3 submitters: Uncertain significance (2); Likely benign (1). Last evaluated 2024-10-29.

Conditions:
Inborn genetic diseases. Identifiers: MedGen C0950123, MeSH D030342.
Holocarboxylase synthetase deficiency. Also called: MULTIPLE CARBOXYLASE DEFICIENCY, EARLY ONSET. Identifiers: Orphanet 79242, MedGen C0268581, MONDO:0009666, OMIM 253270.

Allele frequency attached by ClinVar (database versions not stated): ExAC 0.00002; gnomAD exomes 0.00003 and 0.00007; gnomAD 0.00007 and 0.00008; TOPMed 0.00009; ESP Exome Variant Server 0.00015.
gnomAD v4.1: 112 of 1,613,998 alleles (0.0069%); highest among the groups gnomAD compares: Non-Finnish European, 0.0093%; no homozygotes.

Submissions (3):

Labcorp Genetics (formerly Invitae), Labcorp
Classification: Uncertain significance for Holocarboxylase synthetase deficiency. Last evaluated: 2024-10-29. Review status: criteria provided, single submitter. Criteria: Invitae Variant Classification Sherloc (09022015). Collection method: clinical testing. Allele origin: germline.
Comment: This sequence change replaces glutamic acid, which is acidic and polar, with glutamine, which is neutral and polar, at codon 54 of the HLCS protein (p.Glu54Gln). This variant is present in population databases (rs373822815, gnomAD 0.009%). This variant has not been reported in the literature in individuals affected with HLCS-related conditions. ClinVar contains an entry for this variant (Variation ID: 203759). Invitae Evidence Modeling of protein sequence and biophysical properties (such as structural, functional, and spatial information, amino acid conservation, physicochemical variation, residue mobility, and thermodynamic stability) indicates that this missense variant is not expected to disrupt HLCS protein function with a negative predictive value of 95%. In summary, the available evidence is currently insufficient to determine the role of this variant in disease. Therefore, it has been classified as a Variant of Uncertain Significance.

Ambry Genetics
Classification: Uncertain significance for Inborn genetic diseases. Last evaluated: 2022-06-13. Review status: criteria provided, single submitter. Criteria: Ambry Variant Classification Scheme 2023. Collection method: clinical testing. Allele origin: germline.

GeneDx
Classification: Likely benign. Last evaluated: 2014-01-18. Review status: criteria provided, single submitter. Criteria: GeneDx Variant Classification (06012015). Collection method: clinical testing. Allele origin: germline. Affected: yes.
Comment: This variant is considered likely benign or benign based on one or more of the following criteria: it is a conservative change, it occurs at a poorly conserved position in the protein, it is predicted to be benign by multiple in silico algorithms, and/or has population frequency not consistent with disease.

NM_001352514.2(HLCS):c.601G>C (p.Glu201Gln)

Gene: HLCS (holocarboxylase synthetase; minus strand). Cytogenetic location: 21q22.13.
Variant type: single nucleotide variant.
Coding change: c.601G>C on transcript NM_001352514.2 (MANE Select); coding-DNA position 601, G replaced by C.
Protein change: p.Glu201Gln; replaces glutamic acid 201 with glutamine.
Molecular consequence: missense variant. On other transcripts: non-coding transcript variant (2).
Genome position (GRCh38, 1-based): chr21:36,937,285, C>G on the plus strand (G>C on the coding strand, the complement: HLCS is on the minus strand). VCF-style: chr21-36937285-C-G. GRCh37 (hg19) VCF-style: chr21-38309585-C-G.
Other names: p.E54Q:GAG>CAG; c.160G>C, p.Glu54Gln (NM_000411.8, NM_001242784.3, NM_001242785.2 and 4 more transcripts); short protein forms E54Q, E201Q.
Identifiers: ClinVar variation 203759 (VCV000203759.4), dbSNP rs373822815, ClinGen allele CA312603.